The following is an entry in ClinVar:

NM_001754.5(RUNX1):c.423_424insAACC (p.Ala142fs)

Genes: RUNX1 (RUNX family transcription factor 1; minus strand), RUNX1-AS1 (RUNX1 antisense RNA 1; plus strand). Cytogenetic location: 21q22.12.
Variant type: Insertion.
Coding change: c.423_424insAACC on transcript NM_001754.5 (MANE Select); coding-DNA positions 423 to 424, AACC inserted.
Protein change: p.Ala142fs; shifts the reading frame from alanine 142.
Molecular consequence: frameshift variant.
Genome position: GRCh38 VCF-style: chr21-34880641-C-CGGTT. GRCh37 (hg19) VCF-style: chr21-36252938-C-CGGTT.
Other names: NM_001754.5:c.423_424insAACC; c.342_343insAACC, p.Ala115fs (NM_001001890.3, NM_001122607.2); short protein forms A115fs, A142fs.
Identifiers: ClinVar variation 3255398 (VCV003255398.2), dbSNP rs2517439152.

ClinVar aggregate classification (germline): Pathogenic (3 of 4 stars; one submission).

Conditions:
Hereditary thrombocytopenia and hematologic cancer predisposition syndrome. Identifiers: Orphanet 71290, MedGen CN281654, MONDO:0011071.

Submission:

ClinGen Myeloid Malignancy Variant Curation Expert Panel
Classification: Pathogenic for Hereditary thrombocytopenia and hematologic cancer predisposition syndrome. Last evaluated: 2024-06-24. Review status: reviewed by expert panel. Criteria: ClinGen MyeloMalig ACMG Specifications v2. Collection method: curation. Allele origin: germline. Inheritance: Autosomal dominant inheritance.
Comment: This variant is predicted to undergo nonsense mediated decay in a gene in which loss-of-function is an established mechanism (frameshift (+)/nonsense c.98-c.779 as per VCEP specifications) (PVS1). This variant is a nonsense/frameshift variants that is downstream of c.98 (PM5_Supporting). This variant is completely absent from all population databases with at least 20x coverage for RUNX1 (PM2_Supporting). In summary, this variant meets criteria to be classified as pathogenic. ACMG/AMP criteria applied, as specified by the Myeloid Malignancy Variant Curation Expert Panel for RUNX1: PVS1, PM5_supporting PM2_supporting.